The following is an entry in ClinVar:

ClinVar aggregate classification (germline): Uncertain significance (1 of 4 stars; one submission).

Conditions:
Colorectal cancer, hereditary nonpolyposis, type 7. Identifiers: Orphanet 144, MedGen C1858380, MONDO:0013725, OMIM 614385.

Allele frequency attached by ClinVar (database versions not stated): gnomAD 0.00001; gnomAD exomes 0.00001 and 0.00002; ExAC 0.00002.

Submission:

Labcorp Genetics (formerly Invitae), Labcorp
Classification: Uncertain significance for Colorectal cancer, hereditary nonpolyposis, type 7. Last evaluated: 2020-08-11. Review status: criteria provided, single submitter. Criteria: Invitae Variant Classification Sherloc (09022015). Collection method: clinical testing. Allele origin: germline.
Comment: This sequence change replaces asparagine with serine at codon 674 of the MLH3 protein (p.Asn674Ser). The asparagine residue is weakly conserved and there is a small physicochemical difference between asparagine and serine. This variant is present in population databases (rs765583244, ExAC 0.005%). This variant has not been reported in the literature in individuals with MLH3-related conditions. Algorithms developed to predict the effect of missense changes on protein structure and function (SIFT, PolyPhen-2, Align-GVGD) all suggest that this variant is likely to be tolerated, but these predictions have not been confirmed by published functional studies and their clinical significance is uncertain. In summary, the available evidence is currently insufficient to determine the role of this variant in disease. Therefore, it has been classified as a Variant of Uncertain Significance.

NM_001040108.2(MLH3):c.2021A>G (p.Asn674Ser)

Gene: MLH3 (mutL homolog 3; minus strand). Cytogenetic location: 14q24.3.
Variant type: single nucleotide variant.
Coding change: c.2021A>G on transcript NM_001040108.2 (MANE Select); coding-DNA position 2021, A replaced by G.
Protein change: p.Asn674Ser; replaces asparagine 674 with serine.
Molecular consequence: missense variant.
Genome position (GRCh38, 1-based): chr14:75,047,635, T>C on the plus strand (A>G on the coding strand, the complement: MLH3 is on the minus strand). VCF-style: chr14-75047635-T-C. GRCh37 (hg19) VCF-style: chr14-75514338-T-C.
Other names: c.2021A>G, p.Asn674Ser (NM_014381.3); short protein forms N674S.
Identifiers: ClinVar variation 1051897 (VCV001051897.9), dbSNP rs765583244, ClinGen allele CA7275781.
Genomic context (GRCh38, chr14:75,047,635, plus strand): 5'-AACATTGTATAAGTTGCTGTAGGTTCATTCTCTAGCCCATAACTTATATTCGTTCTGCAA[T>C]TTTTTTTGTTGGGCAATTGACCAGATTCTTTACTTAAAGTGCTGGCTAAATCTTTGATGT-3'
Protein context (NP_001035197.1, residues 664-684): KESGQLPNKK[Asn674Ser]CRTNISYGLE